The following is an entry in ClinVar:

NM_000123.4(ERCC5):c.739A>G (p.Ile247Val)

Genes: BIVM-ERCC5 (BIVM-ERCC5 readthrough; plus strand), ERCC5 (ERCC excision repair 5, endonuclease; plus strand). Cytogenetic location: 13q33.1.
Variant type: single nucleotide variant.
Coding change: c.739A>G on transcript NM_000123.4 (MANE Select); coding-DNA position 739, A replaced by G.
Protein change: p.Ile247Val; replaces isoleucine 247 with valine.
Molecular consequence: missense variant.
Genome position (GRCh38, 1-based): chr13:102,861,573, A>G. VCF-style: chr13-102861573-A-G. GRCh37 (hg19) VCF-style: chr13-103513923-A-G.
Other names: c.2101A>G, p.Ile701Val (NM_001204425.2); short protein forms I247V, I701V.
Identifiers: ClinVar variation 310917 (VCV000310917.10), dbSNP rs200504271, ClinGen allele CA7041268.

ClinVar aggregate classification (germline): Uncertain significance. Review status: criteria provided, multiple submitters, no conflicts (2 of 4 stars). 4 submissions from 4 submitters: Uncertain significance (4). Last evaluated 2024-10-22.

Conditions:
Hereditary cancer-predisposing syndrome. Also called: Neoplastic Syndromes, Hereditary; Tumor predisposition; Hereditary Cancer Syndrome; Hereditary neoplastic syndrome. Identifiers: Orphanet 140162, MedGen C0027672, MeSH D009386, MONDO:0015356.
Xeroderma pigmentosum, group G (XPG). Also called: XERODERMA PIGMENTOSUM VII; XP, GROUP G; Xeroderma pigmentosum type 7; ERCC5-Related Xeroderma Pigmentosum. Identifiers: MedGen C0268141, MONDO:0010216, OMIM 278780.

Allele frequency attached by ClinVar (database versions not stated): ExAC 0.00012; gnomAD 0.00013; 1000 Genomes Project 30x 0.00016; gnomAD exomes 0.00016 and 0.00019; TOPMed 0.00019; 1000 Genomes Project 0.00020.
gnomAD v4.1: 298 of 1,614,212 alleles (0.018%); highest among the groups gnomAD compares: Non-Finnish European, 0.021%; 1 homozygote.

Submissions (4):

Labcorp Genetics (formerly Invitae), Labcorp
Classification: Uncertain significance. Last evaluated: 2024-10-22. Review status: criteria provided, single submitter. Criteria: Invitae Variant Classification Sherloc (09022015). Collection method: clinical testing. Allele origin: germline.
Comment: This sequence change replaces isoleucine, which is neutral and non-polar, with valine, which is neutral and non-polar, at codon 247 of the ERCC5 protein (p.Ile247Val). This variant is present in population databases (rs200504271, gnomAD 0.1%). This variant has not been reported in the literature in individuals affected with ERCC5-related conditions. ClinVar contains an entry for this variant (Variation ID: 310917). An algorithm developed to predict the effect of missense changes on protein structure and function (PolyPhen-2) suggests that this variant is likely to be disruptive. In summary, the available evidence is currently insufficient to determine the role of this variant in disease. Therefore, it has been classified as a Variant of Uncertain Significance.

Women's Health and Genetics/Laboratory Corporation of America, LabCorp
Classification: Uncertain significance. Last evaluated: 2023-07-21. Review status: criteria provided, single submitter. Criteria: LabCorp Variant Classification Summary - May 2015. Collection method: clinical testing. Allele origin: germline.
Comment: Variant summary: ERCC5 c.739A>G (p.Ile247Val) results in a conservative amino acid change in the encoded protein sequence. Three of five in-silico tools predict a damaging effect of the variant on protein function. The variant allele was found at a frequency of 0.00016 in 251372 control chromosomes. This frequency is not significantly higher than estimated for a pathogenic variant in ERCC5, allowing no conclusion about variant significance. To our knowledge, no occurrence of c.739A>G in individuals affected with ERCC5-related conditions and no experimental evidence demonstrating its impact on protein function have been reported. Three submitters have cited clinical-significance assessments for this variant to ClinVar after 2014. All submitters classified the variant as uncertain significance. Based on the evidence outlined above, the variant was classified as uncertain significance.

Sema4
Classification: Uncertain significance for Hereditary cancer-predisposing syndrome. Last evaluated: 2021-06-09. Review status: criteria provided, single submitter. Criteria: Sema4 Curation Guidelines. Collection method: curation. Allele origin: germline.
Comment: The ERCC5 c.739A>G (p.I247V) variant has been reported in at least one pediatric patient with an ependymoma (PMID: 26580448). It was observed in 12/10364 chromosomes of the Ashkenazi Jewish subpopulation, with no homozygotes, in the large and broad cohorts of the Genome Aggregation Database (PMID: 32461654). The variant has been reported in ClinVar (Variation ID 310917). In silico tools suggest the impact of the variant on protein function is inconclusive, though these predictions have not been confirmed by functional studies. The evidence is insufficient to meet ACMG/AMP criteria for classifying the variant as benign or pathogenic. Thus, the clinical significance of this variant is currently uncertain.

Illumina Laboratory Services, Illumina
Classification: Uncertain significance for Xeroderma pigmentosum, group G. Last evaluated: 2018-01-12. Review status: criteria provided, single submitter. Criteria: ICSL Variant Classification Criteria 13 December 2019. Collection method: clinical testing. Allele origin: germline.

Literature cited by the submitters: PubMed 26580448 (cited by Sema4).